The following is an entry in ClinVar:

NM_000059.4(BRCA2):c.9285C>T (p.Asp3095=)

Gene: BRCA2 (BRCA2 DNA repair associated; plus strand). Cytogenetic location: 13q13.1.
Variant type: single nucleotide variant.
Coding change: c.9285C>T on transcript NM_000059.4 (MANE Select); coding-DNA position 9285, C replaced by T.
Protein change: p.Asp3095=; no amino-acid change (aspartic acid 3095 retained).
Molecular consequence: synonymous variant.
Genome position (GRCh38, 1-based): chr13:32,394,717, C>T. VCF-style: chr13-32394717-C-T. GRCh37 (hg19) VCF-style: chr13-32968854-C-T.
Identifiers: ClinVar variation 184910 (VCV000184910.68), dbSNP rs80359198, ClinGen allele CA026087.
Genomic context (GRCh38, chr13:32,394,717, plus strand): 5'-AATAACATTCTTTTCTTTTTTTTCCATTCTAGGACTTGCCCCTTTCGTCTATTTGTCAGA[C>T]GAATGTTACAATTTACTGGCAATAAAGTTTTGGATAGACCTTAATGAGGACATTATTAAG-3'
Protein context (NP_000050.3, residues 3085-3105): TGLAPFVYLS[Asp3095=]ECYNLLAIKF

ClinVar aggregate classification (germline): Likely benign. Review status: reviewed by expert panel (3 of 4 stars). 16 submissions from 16 submitters: Likely benign (1). 15 of the submissions do not count toward it. Last evaluated 2017-06-29.

Conditions:
BRCA2-related disorder. Also called: BRCA2-related condition; BRCA2-related disorders. Identifiers: MedGen CN239275.
Hereditary cancer-predisposing syndrome. Also called: Tumor predisposition; Neoplastic Syndromes, Hereditary; Hereditary Cancer Syndrome; Hereditary neoplastic syndrome. Identifiers: Orphanet 140162, MedGen C0027672, MeSH D009386, MONDO:0015356.
Breast neoplasm. Also called: Neoplasm of breast; Breast tumor; Neoplasm of the breast; Breast Neoplasms. Identifiers: MedGen C1458155, MeSH D001943, MONDO:0021100, HP:0100013. Disease mechanism: gain of function.
Hereditary breast ovarian cancer syndrome. Also called: Hereditary breast and ovarian cancer; Hereditary breast and ovarian cancer syndrome (HBOC); Breast and ovarian cancer; Hereditary breast and/or ovarian cancer syndrome; BRCA1- and BRCA2-Associated Hereditary Breast and Ovarian Cancer; Hereditary breast and ovarian cancer syndrome. Identifiers: Orphanet 145, MedGen C0677776, MeSH D061325, MONDO:0003582. Disease mechanism: loss of function.
Breast-ovarian cancer, familial, susceptibility to, 2 (BROVCA2). Also called: BRCA2 Hereditary Breast and Ovarian Cancer. Identifiers: Orphanet 145, MedGen C2675520, MONDO:0012933, OMIM 612555. Disease mechanism: loss of function.
Malignant tumor of breast. Also called: Malignant breast neoplasm; Cancer breast. Identifiers: MedGen C0006142, MONDO:0007254. Disease mechanism: loss of function.

Allele frequency attached by ClinVar (database versions not stated): gnomAD 0.00002; TOPMed 0.00002; ExAC 0.00010.

Submissions (16):

Evidence-based Network for the Interpretation of Germline Mutant Alleles (ENIGMA)
Classification: Likely benign for Breast-ovarian cancer, familial, susceptibility to, 2. Last evaluated: 2017-06-29. Review status: reviewed by expert panel. Criteria: ENIGMA BRCA1/2 Classification Criteria (2017-06-29). Collection method: curation. Allele origin: germline.
Comment: Synonymous substitution variant, with low bioinformatic likelihood to result in a splicing aberration (Splicing prior probability 0.02).

Labcorp Genetics (formerly Invitae), Labcorp
Classification: Likely benign for Hereditary breast ovarian cancer syndrome. Last evaluated: 2026-01-14. Review status: criteria provided, single submitter. Criteria: Invitae Variant Classification Sherloc (09022015). Collection method: clinical testing. Allele origin: germline. Not counted in ClinVar's aggregate classification.

Center for Genomic Medicine, Rigshospitalet, Copenhagen University Hospital
Classification: Likely benign. Last evaluated: 2025-03-04. Review status: criteria provided, single submitter. Criteria: ACMG Guidelines, 2015. Collection method: clinical testing. Allele origin: germline. Not counted in ClinVar's aggregate classification.

All of Us Research Program, National Institutes of Health
Classification: Likely benign for Breast-ovarian cancer, familial, susceptibility to, 2. Last evaluated: 2023-10-23. Review status: criteria provided, single submitter. Criteria: ACMG Guidelines, 2015. Collection method: clinical testing. Allele origin: germline. Inheritance: Autosomal dominant inheritance. Observed: 3 variant alleles, 3 heterozygotes. Not counted in ClinVar's aggregate classification.
Comment: This study involves interpretation of variants in research participants for the purpose of population health screening. Participant phenotype was not available at the time of variant classification. Additional details can be found in publication PMID: 35346344, PMCID: PMC8962531

Quest Diagnostics Nichols Institute San Juan Capistrano
Classification: Likely benign. Last evaluated: 2023-01-30. Review status: criteria provided, single submitter. Criteria: Quest Diagnostics criteria. Collection method: clinical testing. Allele origin: unknown. Not counted in ClinVar's aggregate classification.

Blueprint Genetics
Classification: Likely benign. Last evaluated: 2022-12-02. Review status: criteria provided, single submitter. Criteria: ACMG Guidelines, 2015. Collection method: clinical testing. Allele origin: germline. Not counted in ClinVar's aggregate classification.

CeGaT Center for Human Genetics Tuebingen
Classification: Likely benign. Last evaluated: 2022-09-01. Review status: criteria provided, single submitter. Criteria: CeGaT Center For Human Genetics Tuebingen Variant Classification Criteria Version 2. Collection method: clinical testing. Allele origin: germline. Affected: yes. Observed: 1 variant allele. Not counted in ClinVar's aggregate classification.

Women's Health and Genetics/Laboratory Corporation of America, LabCorp
Classification: Likely benign. Last evaluated: 2019-08-21. Review status: criteria provided, single submitter. Criteria: LabCorp Variant Classification Summary - May 2015. Collection method: clinical testing. Allele origin: germline. Not counted in ClinVar's aggregate classification.

Color Diagnostics, LLC DBA Color Health
Classification: Likely benign for Hereditary cancer-predisposing syndrome. Last evaluated: 2017-02-26. Review status: criteria provided, single submitter. Criteria: ACMG Guidelines, 2015. Collection method: clinical testing. Allele origin: germline. Not counted in ClinVar's aggregate classification.

Laboratory of Molecular Diagnosis of Cancer, West China Hospital, Sichuan University
Classification: Uncertain significance for Breast neoplasm. Last evaluated: 2015-11-01. Review status: criteria provided, single submitter. Criteria: ACMG Guidelines, 2015. Collection method: research. Allele origin: germline. Affected: yes. Observed: 2 variant alleles. Not counted in ClinVar's aggregate classification.

GeneDx
Classification: Benign. Last evaluated: 2015-08-08. Review status: criteria provided, single submitter. Criteria: GeneDx Variant Classification (06012015). Collection method: clinical testing. Allele origin: germline. Affected: yes. Not counted in ClinVar's aggregate classification.
Comment: This variant is considered likely benign or benign based on one or more of the following criteria: it is a conservative change, it occurs at a poorly conserved position in the protein, it is predicted to be benign by multiple in silico algorithms, and/or has population frequency not consistent with disease.

Ambry Genetics
Classification: Likely benign for Hereditary cancer-predisposing syndrome. Last evaluated: 2015-07-19. Review status: criteria provided, single submitter. Criteria: Ambry Variant Classification Scheme 2023. Collection method: clinical testing. Allele origin: germline. Not counted in ClinVar's aggregate classification.

BRCAlab, Lund University
Classification: Likely benign for Breast-ovarian cancer, familial, susceptibility to, 2. Last evaluated: 2020-03-02. Review status: no assertion criteria provided. Collection method: clinical testing. Allele origin: germline. Affected: yes. Not counted in ClinVar's aggregate classification.

PreventionGenetics, part of Exact Sciences
Classification: Likely benign for BRCA2-related condition. Last evaluated: 2019-11-25. Review status: no assertion criteria provided. Collection method: clinical testing. Allele origin: germline. Not counted in ClinVar's aggregate classification.
Comment: This variant is classified as likely benign based on ACMG/AMP sequence variant interpretation guidelines (Richards et al. 2015 PMID: 25741868, with internal and published modifications).

Counsyl
Classification: Likely benign for Breast-ovarian cancer, familial, susceptibility to, 2. Last evaluated: 2017-02-06. Review status: no assertion criteria provided. Collection method: clinical testing. Allele origin: unknown. Not counted in ClinVar's aggregate classification.

Department of Pathology and Laboratory Medicine, Sinai Health System
Classification: Uncertain significance for Malignant tumor of breast. Review status: no assertion criteria provided. Collection method: clinical testing. Allele origin: unknown. Affected: yes. Observed: 3 variant alleles. Study: The Canadian Open Genetics Repository (COGR). Not counted in ClinVar's aggregate classification.
Comment: The BRCA2 p.Asp3095= variant was not identified in the literature nor was it identified in the COGR, UMD-LSDB, BIC, ARUP Laboratories, or Zhejiang Colon Cancer databases. The variant was identified in the following databases: dbSNP (ID: rs80359198) as With Pathogenic, Uncertain significance allele, ClinVar (classified as benign by GeneDx; as likely benign by Invitae, Ambry genetics, ENIGMA), Clinvitae (classified as likely benign by ClinVar, Invitae), and LOVD 3.0 (5X). The variant was identified in control databases in 19 of 276410 chromosomes at a frequency of 0.00007; 12 in 18846 East Asians (freq. 0.00064), and 5 of 126212 European Non-Finnish individuals (0.00004) increasing the likelihood that this may be a low frequency variant in certain populations of origin (Genome Aggregation Consortium Feb 27, 2017). The p.Asp3095= variant is not expected to have clinical significance because it does not result in a change of amino acid and is not located in a known consensus splice site. However, 3 of 5 in silico or computational prediction software programs (SpliceSiteFinder, MaxEntScan, NNSPLICE, GeneSplicer, HumanSpliceFinder) predict a greater than 10% difference in splicing; this information is not predictive enough to assume pathogenicity. In summary, based on the above information, the clinical significance of this variant cannot be determined with certainty at this time. This variant is classified as a variant of uncertain significance.

Literature cited by the submitters: PubMed 32467295 (cited by Quest Diagnostics Nichols Institute San Juan Capistrano); PubMed 27257965 (cited by Quest Diagnostics Nichols Institute San Juan Capistrano and Laboratory of Molecular Diagnosis of Cancer, West China Hospital, Sichuan University); PubMed 30702160 (cited by Quest Diagnostics Nichols Institute San Juan Capistrano).